The following is an entry in ClinVar:

ClinVar aggregate classification (germline): Uncertain significance. Review status: criteria provided, multiple submitters, no conflicts (2 of 4 stars). 2 submissions from 2 submitters: Uncertain significance (2). Last evaluated 2025-03-31.

Conditions:
Distal myopathy with posterior leg and anterior hand involvement. Also called: WILLIAMS DISTAL MYOPATHY. Identifiers: Orphanet 63273, MedGen C3279722, MONDO:0013550, OMIM 614065.
Myofibrillar myopathy 5. Also called: FILAMINOPATHY, AUTOSOMAL DOMINANT; Filaminopathy (type). Identifiers: Orphanet 171445, MedGen C1836050, MONDO:0012289, OMIM 609524.
Hypertrophic cardiomyopathy 26. Also called: Cardiomyopathy, familial hypertrophic, 26. Identifiers: Orphanet 75249, MedGen C4310749, MONDO:0014883, OMIM 617047.
Cardiovascular phenotype. Identifiers: MedGen CN230736.

Allele frequency attached by ClinVar (database versions not stated): gnomAD exomes below 0.00001; TOPMed below 0.00001; gnomAD 0.00001.
gnomAD v4.1: 4 of 1,613,922 alleles (0.00025%); highest among the groups gnomAD compares: Non-Finnish European, 0.00034%; no homozygotes.

Submissions (2):

Labcorp Genetics (formerly Invitae), Labcorp
Classification: Uncertain significance for Distal myopathy with posterior leg and anterior hand involvement; Myofibrillar myopathy 5; Hypertrophic cardiomyopathy 26. Last evaluated: 2025-03-31. Review status: criteria provided, single submitter. Criteria: Invitae Variant Classification Sherloc (09022015). Collection method: clinical testing. Allele origin: germline.
Comment: This sequence change replaces phenylalanine, which is neutral and non-polar, with isoleucine, which is neutral and non-polar, at codon 1785 of the FLNC protein (p.Phe1785Ile). This variant is present in population databases (no rsID available, gnomAD 0.007%). This variant has not been reported in the literature in individuals affected with FLNC-related conditions. ClinVar contains an entry for this variant (Variation ID: 642581). Invitae Evidence Modeling of protein sequence and biophysical properties (such as structural, functional, and spatial information, amino acid conservation, physicochemical variation, residue mobility, and thermodynamic stability) has been performed for this missense variant. However, the output from this modeling did not meet the statistical confidence thresholds required to predict the impact of this variant on FLNC protein function. In summary, the available evidence is currently insufficient to determine the role of this variant in disease. Therefore, it has been classified as a Variant of Uncertain Significance.

Ambry Genetics
Classification: Uncertain significance for Cardiovascular phenotype. Last evaluated: 2023-05-26. Review status: criteria provided, single submitter. Criteria: Ambry Variant Classification Scheme 2023. Collection method: clinical testing. Allele origin: germline.
Comment: The p.F1785I variant (also known as c.5353T>A), located in coding exon 32 of the FLNC gene, results from a T to A substitution at nucleotide position 5353. The phenylalanine at codon 1785 is replaced by isoleucine, an amino acid with highly similar properties. This amino acid position is conserved. In addition, the in silico prediction for this alteration is inconclusive. Since supporting evidence is limited at this time, the clinical significance of this alteration remains unclear.

NM_001458.5(FLNC):c.5353T>A (p.Phe1785Ile)

Genes: FLNC-AS1 (FLNC antisense RNA 1; minus strand), FLNC (filamin C; plus strand). Cytogenetic location: 7q32.1.
Variant type: single nucleotide variant.
Coding change: c.5353T>A on transcript NM_001458.5 (MANE Select); coding-DNA position 5353, T replaced by A.
Protein change: p.Phe1785Ile; replaces phenylalanine 1785 with isoleucine.
Molecular consequence: missense variant.
Genome position (GRCh38, 1-based): chr7:128,850,438, T>A. VCF-style: chr7-128850438-T-A. GRCh37 (hg19) VCF-style: chr7-128490492-T-A.
Other names: c.5254T>A, p.Phe1752Ile (NM_001127487.2); short protein forms F1752I, F1785I.
Identifiers: ClinVar variation 642581 (VCV000642581.8), dbSNP rs1035403005, ClinGen allele CA166186559.
Genomic context (GRCh38, chr7:128,850,438, plus strand): 5'-CTGCAGGCCACAGAGGAGCCAGTGGTGCCTGTGGAGCCAATGGAGTCCATGCTGAGGCCC[T>A]TCAACCTGGTCATCCCCTTCGCGGTGCAGAAAGGGGAGCTCACAGGTACTGCCCTGTGGC-3'
Protein context (NP_001449.3, residues 1775-1795): VEPMESMLRP[Phe1785Ile]NLVIPFAVQK